The following is an entry in ClinVar:

ClinVar aggregate classification (germline): Uncertain significance (1 of 4 stars; one submission).

Conditions:
Hereditary cancer-predisposing syndrome. Also called: Tumor predisposition; Hereditary neoplastic syndrome; Hereditary Cancer Syndrome; Neoplastic Syndromes, Hereditary. Identifiers: Orphanet 140162, MedGen C0027672, MeSH D009386, MONDO:0015356.

Submission:

Ambry Genetics
Classification: Uncertain significance for Hereditary cancer-predisposing syndrome. Last evaluated: 2025-04-11. Review status: criteria provided, single submitter. Criteria: Ambry Variant Classification Scheme 2023. Collection method: clinical testing. Allele origin: germline.
Comment: The p.E483D variant (also known as c.1449G>T), located in coding exon 14 of the TSC2 gene, results from a G to T substitution at nucleotide position 1449. The glutamic acid at codon 483 is replaced by aspartic acid, an amino acid with highly similar properties. This amino acid position is conserved. In addition, this alteration is predicted to be deleterious by in silico analysis. Based on the available evidence, the clinical significance of this variant remains unclear.

NM_000548.5(TSC2):c.1449G>T (p.Glu483Asp)

Gene: TSC2 (TSC complex subunit 2; plus strand). Cytogenetic location: 16p13.3.
Variant type: single nucleotide variant.
Coding change: c.1449G>T on transcript NM_000548.5 (MANE Select); coding-DNA position 1449, G replaced by T.
Protein change: p.Glu483Asp; replaces glutamic acid 483 with aspartic acid.
Molecular consequence: missense variant. On other transcripts: 5 prime UTR variant (1), non-coding transcript variant (5).
Genome position (GRCh38, 1-based): chr16:2,064,277, G>T. VCF-style: chr16-2064277-G-T. GRCh37 (hg19) VCF-style: chr16-2114278-G-T.
Other names: c.1449G>T, p.Glu483Asp (NM_001077183.3, NM_001114382.3, NM_001363528.2 and 6 more transcripts); c.1338G>T, p.Glu446Asp (NM_001318827.2, NM_001406678.1, NM_001406670.1); c.1302G>T, p.Glu434Asp (NM_001318829.2, NM_001406675.1, NM_001406676.1 and 1 more transcripts); c.849G>T, p.Glu283Asp (NM_001318831.2, NM_001406680.1, NM_001406682.1 and 6 more transcripts); c.1482G>T, p.Glu494Asp (NM_001318832.2); c.1392G>T, p.Glu464Asp (NM_001406677.1); c.987G>T, p.Glu329Asp (NM_001406681.1); c.105G>T, p.Glu35Asp (NM_001406694.1, NM_001406695.1, NM_001406696.1 and 6 more transcripts); and 3 more; short protein forms E283D, E329D, E35D, E483D, E434D, E464D, E513D, E446D.
Identifiers: ClinVar variation 3974650 (VCV003974650.1).